The following is an entry in ClinVar:

ClinVar aggregate classification (germline): Likely pathogenic. Review status: criteria provided, single submitter (1 of 4 stars). 2 submissions from 2 submitters: Likely pathogenic (1). 1 of the submissions does not count toward it. Last evaluated 2017-12-12.

Conditions:
Ehlers-Danlos syndrome, type 4 (EDSVASC). Also called: Ehlers-Danlos syndrome vascular type; Ehlers Danlos syndrome, ecchymotic type; Ehlers Danlos syndrome, arterial type; Ehlers Danlos syndrome, Sack-Barabas type; Ehlers-Danlos Syndrome Type IV. Identifiers: Orphanet 286, MedGen C0268338, MONDO:0017314, OMIM 130050.
Familial thoracic aortic aneurysm and aortic dissection (TAAD). Also called: Thoracic aortic aneurysms and dissections. Identifiers: Orphanet 91387, MedGen C4707243, MONDO:0019625.

Submissions (2):

Ambry Genetics
Classification: Likely pathogenic for Familial thoracic aortic aneurysm and aortic dissection. Last evaluated: 2017-12-12. Review status: criteria provided, single submitter. Criteria: Ambry Variant Classification Scheme 2023. Collection method: clinical testing. Allele origin: germline.
Comment: The c.1761+5G>A intronic variant results from a G to A substitution 5 nucleotides after coding exon 24 in the COL3A1 gene. This alteration has been reported in an individual with biochemically confirmed vascular Ehler-Danlos syndrome (vEDS, also known as type IV), and RNA analysis revealed exon skipping (Pepin MG et al. Genet. Med. 2014;16:881-8; personal communication from Collagen Diagnostic Laboratory). A likely pathogenic, functionally-validated splicing alteration at this nucleotide position (c.1761+5G>T) has also been associated with vEDS (Lee B et al. J. Biol. Chem. 1991;266:5256-9). This nucleotide position is highly conserved in available vertebrate species. This alteration is predicted by BDGP to abolish the native splice donor site, but is predicted to weaken (but not abolish) the efficiency of the native splice donor site by ESEfinder. Based on the majority of available evidence to date, this variant is likely to be pathogenic.

Collagen Diagnostic Laboratory, University of Washington
Classification: Pathogenic for Ehlers-Danlos syndrome, type 4. Review status: no assertion criteria provided. Collection method: clinical testing. Allele origin: germline. Affected: yes. Not counted in ClinVar's aggregate classification.

Literature cited by the submitters: PubMed 24922459 (cited by Ambry Genetics); PubMed 25758994 (cited by Ambry Genetics).

NM_000090.4(COL3A1):c.1761+5G>A

Gene: COL3A1 (collagen type III alpha 1 chain; plus strand). Cytogenetic location: 2q32.2.
Variant type: single nucleotide variant.
Coding change: c.1761+5G>A on transcript NM_000090.4 (MANE Select); 5 bases into the intron after coding-DNA position 1761, G replaced by A.
Molecular consequence: intron variant.
Genome position (GRCh38, 1-based): chr2:188,996,501, G>A. VCF-style: chr2-188996501-G-A. GRCh37 (hg19) VCF-style: chr2-189861227-G-A.
Identifiers: ClinVar variation 101209 (VCV000101209.6), dbSNP rs397509372, ClinGen allele CA004475.
Genomic context (GRCh38, chr2:188,996,501, plus strand): 5'-CTGGTCCCCGAGGTCAGCCTGGTGTCATGGGCTTCCCCGGTCCTAAAGGAAATGATGTGA[G>A]TTCCTTCATTAATTTCTTCAATAAATATTTGACTGGAAGGCTTTTATTTTCCATATGGAG-3'